The following is an entry in ClinVar:

ClinVar aggregate classification (germline): Pathogenic/Likely pathogenic. Review status: criteria provided, multiple submitters, no conflicts (2 of 4 stars). 5 submissions from 5 submitters: Pathogenic (2); Likely pathogenic (2). 1 of the submissions does not count toward it. Last evaluated 2024-05-28.

Conditions:
Muscular dystrophy, limb-girdle, autosomal recessive 23. Identifiers: Orphanet 565837, MedGen C4748327, MONDO:0029136, OMIM 618138.
Merosin deficient congenital muscular dystrophy (MDC1A). Also called: Congenital merosin-deficient muscular dystrophy 1A; Congenital Muscular Dystrophy Type 1A (MDC1A). Identifiers: Orphanet 258, MedGen C1263858, MONDO:0011925, OMIM 607855.
LAMA2-related muscular dystrophy (LAMA2-RD). Also called: Laminin alpha 2-related dystrophy. Identifiers: MedGen C5679788, MONDO:0100228.

Allele frequency attached by ClinVar (database versions not stated): gnomAD exomes below 0.00001 and 0.00001; ExAC 0.00001; gnomAD 0.00001; TOPMed 0.00001.

Submissions (5):

Fulgent Genetics
Classification: Likely pathogenic for Merosin deficient congenital muscular dystrophy; Muscular dystrophy, limb-girdle, autosomal recessive 23. Last evaluated: 2024-05-28. Review status: criteria provided, single submitter. Criteria: ACMG Guidelines, 2015. Collection method: clinical testing. Allele origin: germline.

Labcorp Genetics (formerly Invitae), Labcorp
Classification: Pathogenic for LAMA2-related muscular dystrophy. Last evaluated: 2024-01-31. Review status: criteria provided, single submitter. Criteria: Invitae Variant Classification Sherloc (09022015). Collection method: clinical testing. Allele origin: germline.
Comment: This sequence change creates a premature translational stop signal (p.Asp1902Glufs*60) in the LAMA2 gene. It is expected to result in an absent or disrupted protein product. Loss-of-function variants in LAMA2 are known to be pathogenic (PMID: 18700894, 32904964). This variant is present in population databases (rs398123377, gnomAD 0.002%). This variant has not been reported in the literature in individuals affected with LAMA2-related conditions. ClinVar contains an entry for this variant (Variation ID: 92970). For these reasons, this variant has been classified as Pathogenic.

Baylor Genetics
Classification: Likely pathogenic for Merosin deficient congenital muscular dystrophy. Last evaluated: 2023-01-28. Review status: criteria provided, single submitter. Criteria: ACMG Guidelines, 2015. Collection method: clinical testing. Allele origin: unknown.

Eurofins Ntd Llc (ga)
Classification: Pathogenic. Last evaluated: 2012-08-31. Review status: criteria provided, single submitter. Criteria: EGL Classification Definitions. Collection method: clinical testing. Allele origin: germline. Observed: 1 variant allele, 1 heterozygote.

Counsyl
Classification: Likely pathogenic for Merosin deficient congenital muscular dystrophy. Last evaluated: 2017-08-07. Review status: no assertion criteria provided. Collection method: clinical testing. Allele origin: unknown. Not counted in ClinVar's aggregate classification.

Literature cited by the submitters: PubMed 18700894 (cited by Labcorp Genetics (formerly Invitae), Labcorp); PubMed 32904964 (cited by Labcorp Genetics (formerly Invitae), Labcorp).

NM_000426.4(LAMA2):c.5706_5712del (p.Asp1902fs)

Gene: LAMA2 (laminin subunit alpha 2; plus strand). Cytogenetic location: 6q22.33.
Variant type: Deletion.
Coding change: c.5706_5712del on transcript NM_000426.4 (MANE Select); coding-DNA positions 5706 to 5712, 7 bases deleted (CTCATCT; older notation c.5706_5712delCTCATCT).
Protein change: p.Asp1902fs; shifts the reading frame from aspartic acid 1902.
Molecular consequence: frameshift variant.
Genome position (GRCh38, 1-based): chr6:129,402,467-129,402,473, CTCATCT deleted. VCF-style (leftmost placement, unchanged base first): chr6-129402466-ACTCATCT-A. GRCh37 (hg19) VCF-style: chr6-129723611-ACTCATCT-A.
Other names: c.5706_5712del, p.Asp1902fs (NM_001079823.2); c.5706_5712del7 (NM_000426.3); c.5706_5712delCTCATCT (NM_000426.3); short protein forms D1902fs.
Identifiers: ClinVar variation 92970 (VCV000092970.14), dbSNP rs398123377, ClinGen allele CA220775.
Genomic context (GRCh38, chr6:129,402,466, plus strand): 5'-AGGACAGGAAGCTTGCTGAGAAGGTGTCCCAGGCTGAGAGCCACGCAGCTCAGTTGAATG[ACTCATCT>A]GCTGTCCTTGATGGGTATGTCATTTGTTTTTGGAAATGTTTGTGTATTTTGATGCTTGTC-3'